The following is an entry in ClinVar:

ClinVar aggregate classification (germline): Benign/Likely benign. Review status: criteria provided, multiple submitters, no conflicts (2 of 4 stars). 10 submissions from 9 submitters: Benign (8); Likely benign (2). Last evaluated 2026-01-27.

Conditions:
MYH9-related disorder. Identifiers: MedGen C1854520.
Macrothrombocytopenia and granulocyte inclusions with or without nephritis or sensorineural hearing loss (MATINS). Also called: MYH9-Related Disease (MYH9-RD); BLEEDING DISORDER, PLATELET-TYPE, 6; MAY-HEGGLIN ANOMALY; DOHLE LEUKOCYTE INCLUSIONS WITH GIANT PLATELETS; MACROTHROMBOCYTOPENIA WITH LEUKOCYTE INCLUSIONS; SEBASTIAN PLATELET SYNDROME. Identifiers: Orphanet 182050, MedGen C5200934, MONDO:0015912, OMIM 155100.
Autosomal dominant nonsyndromic hearing loss 17. Also called: Autosomal dominant nonsyndromic deafness 17; Deafness, autosomal dominant 17. Identifiers: Orphanet 90635, MedGen C1863659, MONDO:0011350, OMIM 603622.
Kidney disorder. Also called: renal disorder; renal disease; Nephropathy; Kidney disease; Kidney Diseases. Identifiers: MedGen C0022658, MONDO:0005240, HP:0000112.

Allele frequency attached by ClinVar (database versions not stated): 1000 Genomes Project 0.01098; gnomAD exomes 0.00113 and 0.00279; ExAC 0.00316; ESP Exome Variant Server 0.00753; gnomAD 0.00812 and 0.00874; TOPMed 0.00928; 1000 Genomes Project 30x 0.01046.
gnomAD v4.1: 3,033 of 1,612,922 alleles (0.19%); highest among the groups gnomAD compares: African/African-American, 2.7%; 43 homozygotes.

Submissions (10):

Labcorp Genetics (formerly Invitae), Labcorp
Classification: Benign. Last evaluated: 2026-01-27. Review status: criteria provided, single submitter. Criteria: Invitae Variant Classification Sherloc (09022015). Collection method: clinical testing. Allele origin: germline.

Mayo Clinic Laboratories, Mayo Clinic
Classification: Benign. Last evaluated: 2024-05-23. Review status: criteria provided, single submitter. Criteria: ACMG Guidelines, 2015. Collection method: clinical testing. Allele origin: germline. Observed: 6 variant alleles.
Comment: BS1, BS2, BP4, BP7

Fulgent Genetics
Classification: Likely benign for Macrothrombocytopenia and granulocyte inclusions with or without nephritis or sensorineural hearing loss; Autosomal dominant nonsyndromic hearing loss 17. Last evaluated: 2021-09-28. Review status: criteria provided, single submitter. Criteria: ACMG Guidelines, 2015. Collection method: clinical testing. Allele origin: unknown.

Genome Diagnostics Laboratory, The Hospital for Sick Children
Classification: Likely benign for Kidney disorder. Last evaluated: 2020-03-01. Review status: criteria provided, single submitter. Criteria: ACMG Guidelines, 2015. Collection method: clinical testing. Allele origin: germline.

GeneDx
Classification: Benign. Last evaluated: 2018-05-04. Review status: criteria provided, single submitter. Criteria: GeneDx Variant Classification (06012015). Collection method: clinical testing. Allele origin: germline. Affected: yes.
Comment: This variant is considered likely benign or benign based on one or more of the following criteria: it is a conservative change, it occurs at a poorly conserved position in the protein, it is predicted to be benign by multiple in silico algorithms, and/or has population frequency not consistent with disease.

Illumina Laboratory Services, Illumina
Classification: Benign for Autosomal dominant nonsyndromic hearing loss 17. Last evaluated: 2018-01-13. Review status: criteria provided, single submitter. Criteria: ICSL Variant Classification Criteria 13 December 2019. Collection method: clinical testing. Allele origin: germline.
Comment: This variant was observed in the ICSL laboratory as part of a predisposition screen in an ostensibly healthy population. It had not been previously curated by ICSL or reported in the Human Gene Mutation Database (HGMD: prior to June 1st, 2018), and was therefore a candidate for classification through an automated scoring system. Utilizing variant allele frequency, disease prevalence and penetrance estimates, and inheritance mode, an automated score was calculated to assess if this variant is too frequent to cause the disease. Based on the score and internal cut-off values, a variant classified as benign is not then subjected to further curation. The score for this variant resulted in a classification of benign for this disease.

Illumina Laboratory Services, Illumina
Classification: Benign for MYH9-related disorder. Last evaluated: 2018-01-13. Review status: criteria provided, single submitter. Criteria: ICSL Variant Classification Criteria 13 December 2019. Collection method: clinical testing. Allele origin: germline.
Comment: the same text as in the submission from Illumina Laboratory Services, Illumina above.

Laboratory for Molecular Medicine, Mass General Brigham Personalized Medicine
Classification: Benign. Last evaluated: 2012-05-07. Review status: criteria provided, single submitter. Criteria: LMM Criteria. Collection method: clinical testing. Allele origin: germline. Observed: 12 variant alleles.
Comment: 2038-5T>C in Intron 16 of MYH9: This variant is not expected to have clinical si gnificance because it has been identified in 2.0% (74/3738) of African American chromosomes from a broad population by the NHLBI Exome Sequencing Project (dbSNP rs8137674).

Breakthrough Genomics
Classification: Benign. Review status: criteria provided, single submitter. Criteria: ACMG Guidelines, 2015. Collection method: not provided. Allele origin: germline. Inheritance: Autosomal dominant inheritance. Affected: yes.

PreventionGenetics, part of Exact Sciences
Classification: Benign. Review status: criteria provided, single submitter. Criteria: ACMG Guidelines, 2015. Collection method: clinical testing. Allele origin: germline.

NM_002473.6(MYH9):c.2038-5T>C

Gene: MYH9 (myosin heavy chain 9; minus strand). Cytogenetic location: 22q12.3.
Variant type: single nucleotide variant.
Coding change: c.2038-5T>C on transcript NM_002473.6 (MANE Select); 5 bases into the intron before coding-DNA position 2038, T replaced by C.
Molecular consequence: intron variant.
Genome position (GRCh38, 1-based): chr22:36,306,056, A>G on the plus strand (T>C on the coding strand, the complement: MYH9 is on the minus strand). VCF-style: chr22-36306056-A-G. GRCh37 (hg19) VCF-style: chr22-36702102-A-G.
Other names: p.?.
Identifiers: ClinVar variation 44553 (VCV000044553.26), dbSNP rs8137674, ClinGen allele CA134515.